The following is an entry in ClinVar:

NM_004656.4(BAP1):c.678C>G (p.Ile226Met)

Gene: BAP1 (BRCA1 associated deubiquitinase 1; minus strand). Cytogenetic location: 3p21.1.
Variant type: single nucleotide variant.
Coding change: c.678C>G on transcript NM_004656.4 (MANE Select); coding-DNA position 678, C replaced by G.
Protein change: p.Ile226Met; replaces isoleucine 226 with methionine.
Molecular consequence: missense variant. On other transcripts: intron variant (1).
Genome position (GRCh38, 1-based): chr3:52,406,358, G>C on the plus strand (C>G on the coding strand, the complement: BAP1 is on the minus strand). VCF-style: chr3-52406358-G-C. GRCh37 (hg19) VCF-style: chr3-52440374-G-C.
Other names: c.660-36C>G (NM_001410772.1); short protein forms I226M.
Identifiers: ClinVar variation 4826574 (VCV004826574.1).

ClinVar aggregate classification (germline): Uncertain significance (1 of 4 stars; one submission).

Conditions:
Hereditary cancer-predisposing syndrome. Also called: Neoplastic Syndromes, Hereditary; Tumor predisposition; Hereditary Cancer Syndrome; Hereditary neoplastic syndrome. Identifiers: Orphanet 140162, MedGen C0027672, MeSH D009386, MONDO:0015356.

Submission:

Ambry Genetics
Classification: Uncertain significance for Hereditary cancer-predisposing syndrome. Last evaluated: 2026-03-02. Review status: criteria provided, single submitter. Criteria: Ambry Variant Classification Scheme 2023. Collection method: clinical testing. Allele origin: germline.
Comment: The p.I226M variant (also known as c.678C>G), located in coding exon 9 of the BAP1 gene, results from a C to G substitution at nucleotide position 678. The isoleucine at codon 226 is replaced by methionine, an amino acid with highly similar properties. This amino acid position is conserved. In addition, the in silico prediction for this alteration is inconclusive. Based on the available evidence, the clinical significance of this variant remains unclear.